The following is an entry in ClinVar:

NM_018896.5(CACNA1G):c.3721C>T (p.Arg1241Ter)

Gene: CACNA1G (calcium voltage-gated channel subunit alpha1 G; plus strand). Cytogenetic location: 17q21.33.
Variant type: single nucleotide variant.
Coding change: c.3721C>T on transcript NM_018896.5 (MANE Select); coding-DNA position 3721, C replaced by T.
Protein change: p.Arg1241Ter; replaces arginine 1241 with a stop codon.
Molecular consequence: nonsense. On other transcripts: non-coding transcript variant (5).
Genome position (GRCh38, 1-based): chr17:50,600,756, C>T. VCF-style: chr17-50600756-C-T. GRCh37 (hg19) VCF-style: chr17-48678117-C-T.
Other names: c.3721C>T, p.Arg1241Ter (NM_001256324.2, NM_001256325.2, NM_001256326.2 and 16 more transcripts); c.3652C>T, p.Arg1218Ter (NM_001256332.2, NM_198376.3, NM_198379.3 and 5 more transcripts); short protein forms R1218*, R1241*.
Identifiers: ClinVar variation 1684114 (VCV001684114.4), dbSNP rs1288005196, ClinGen allele CA400254503.

ClinVar aggregate classification (germline): Uncertain significance. Review status: criteria provided, multiple submitters, no conflicts (2 of 4 stars). 2 submissions from 2 submitters: Uncertain significance (2). Last evaluated 2024-03-11.

gnomAD v4.1: 1 of 1,613,820 alleles (0.000062%); highest among the groups gnomAD compares: Non-Finnish European, 0.000085%; no homozygotes.

Submissions (2):

GeneDx
Classification: Uncertain significance. Last evaluated: 2024-03-11. Review status: criteria provided, single submitter. Criteria: GeneDx Variant Classification Process June 2021. Collection method: clinical testing. Allele origin: germline. Affected: yes.
Comment: Nonsense variant predicted to result in protein truncation or nonsense mediated decay in a gene for which loss-of-function is not a known mechanism of disease; Not observed at significant frequency in large population cohorts (gnomAD); Has not been previously published as pathogenic or benign to our knowledge

Women's Health and Genetics/Laboratory Corporation of America, LabCorp
Classification: Uncertain significance. Last evaluated: 2023-10-30. Review status: criteria provided, single submitter. Criteria: LabCorp Variant Classification Summary - May 2015. Collection method: clinical testing. Allele origin: germline.
Comment: Variant summary: CACNA1G c.3721C>T (p.Arg1241X) results in a premature termination codon, predicted to cause absence of the protein due to nonsense mediated decay, however the molecular mechanism of disease attributed to CACNA1G is gain-of-function. The variant was absent in 249110 control chromosomes. The available data on variant occurrences in the general population are insufficient to allow any conclusion about variant significance. To our knowledge, no occurrence of c.3721C>T in individuals affected with Spinocerebellar Ataxia Type 42 and no experimental evidence demonstrating its impact on protein function have been reported. One submitter has cited clinical-significance assessments for this variant to ClinVar after 2014 and has classified the variant as uncertain significance. Based on the evidence outlined above, the variant was classified as uncertain significance.